The following is an entry in ClinVar:

NM_001001957.2(OR2W3):c.199T>G (p.Ser67Ala)

Gene: OR2W3 (olfactory receptor family 2 subfamily W member 3; plus strand). Cytogenetic location: 1q44.
Variant type: single nucleotide variant.
Coding change: c.199T>G on transcript NM_001001957.2 (MANE Select); coding-DNA position 199, T replaced by G.
Protein change: p.Ser67Ala; replaces serine 67 with alanine.
Molecular consequence: missense variant.
Genome position (GRCh38, 1-based): chr1:247,895,785, T>G. VCF-style: chr1-247895785-T-G. GRCh37 (hg19) VCF-style: chr1-248059087-T-G.
Other names: short protein forms S67A.
Identifiers: ClinVar variation 1914141 (VCV001914141.5), dbSNP rs755632283, ClinGen allele CA1498540.

ClinVar aggregate classification (germline): Uncertain significance (1 of 4 stars; one submission).

Allele frequency attached by ClinVar (database versions not stated): TOPMed below 0.00001; ExAC 0.00002; gnomAD exomes 0.00002.

Submission:

Labcorp Genetics (formerly Invitae), Labcorp
Classification: Uncertain significance. Last evaluated: 2021-12-28. Review status: criteria provided, single submitter. Criteria: Invitae Variant Classification Sherloc (09022015). Collection method: clinical testing. Allele origin: germline.
Comment: This variant is present in population databases (rs755632283, gnomAD 0.01%). In summary, the available evidence is currently insufficient to determine the role of this variant in disease. Therefore, it has been classified as a Variant of Uncertain Significance. Algorithms developed to predict the effect of missense changes on protein structure and function are either unavailable or do not agree on the potential impact of this missense change (SIFT: "Deleterious"; PolyPhen-2: "Benign"; Align-GVGD: "Class C65"). This variant has not been reported in the literature in individuals affected with OR2W3-related conditions. This sequence change replaces serine, which is neutral and polar, with alanine, which is neutral and non-polar, at codon 67 of the OR2W3 protein (p.Ser67Ala).